The following is an entry in ClinVar:

ClinVar aggregate classification (germline): Uncertain significance (1 of 4 stars; one submission).

Submission:

Ambry Genetics
Classification: Uncertain significance. Last evaluated: 2023-03-17. Review status: criteria provided, single submitter. Criteria: Ambry Variant Classification Scheme 2023. Collection method: clinical testing. Allele origin: germline.
Comment: The p.K526E variant (also known as c.1576A>G), located in coding exon 12 of the RECQL gene, results from an A to G substitution at nucleotide position 1576. The lysine at codon 526 is replaced by glutamic acid, an amino acid with similar properties. This amino acid position is conserved. In addition, the in silico prediction for this alteration is inconclusive. Since supporting evidence is limited at this time, the clinical significance of this alteration remains unclear.

NM_002907.4(RECQL):c.1576A>G (p.Lys526Glu)

Gene: RECQL (RecQ like helicase; minus strand). Cytogenetic location: 12p12.1.
Variant type: single nucleotide variant.
Coding change: c.1576A>G on transcript NM_002907.4 (MANE Select); coding-DNA position 1576, A replaced by G.
Protein change: p.Lys526Glu; replaces lysine 526 with glutamic acid.
Molecular consequence: missense variant.
Genome position (GRCh38, 1-based): chr12:21,471,519, T>C on the plus strand (A>G on the coding strand, the complement: RECQL is on the minus strand). VCF-style: chr12-21471519-T-C. GRCh37 (hg19) VCF-style: chr12-21624453-T-C.
Other names: c.1576A>G, p.Lys526Glu (NM_032941.3); short protein forms K526E.
Identifiers: ClinVar variation 2565559 (VCV002565559.2), dbSNP rs2540321031, ClinGen allele CA384116113.